The following is an entry in ClinVar:

ClinVar aggregate classification (germline): Conflicting classifications of pathogenicity. Review status: criteria provided, conflicting classifications (1 of 4 stars). 5 submissions from 5 submitters: Uncertain significance (3); Likely benign (2). Last evaluated 2024-12-03.

Conditions:
Inborn genetic diseases. Identifiers: MedGen C0950123, MeSH D030342.
COL4A2-related disorder. Also called: COL4A2-related disorders; COL4A2-related condition.

Allele frequency attached by ClinVar (database versions not stated): gnomAD 0.00004; ExAC 0.00006.
gnomAD v4.1: 28 of 1,613,372 alleles (0.0017%); highest among the groups gnomAD compares: Admixed American, 0.027%; no homozygotes.

Submissions (5):

Labcorp Genetics (formerly Invitae), Labcorp
Classification: Likely benign. Last evaluated: 2024-12-03. Review status: criteria provided, single submitter. Criteria: Invitae Variant Classification Sherloc (09022015). Collection method: clinical testing. Allele origin: germline.

Women's Health and Genetics/Laboratory Corporation of America, LabCorp
Classification: Uncertain significance. Last evaluated: 2024-01-05. Review status: criteria provided, single submitter. Criteria: LabCorp Variant Classification Summary - May 2015. Collection method: clinical testing. Allele origin: germline.
Comment: Variant summary: COL4A2 c.1513G>A (p.Ala505Thr) results in a non-conservative amino acid change in the encoded protein sequence. Four of five in-silico tools predict a benign effect of the variant on protein function. The variant allele was found at a frequency of 6e-05 in 248662 control chromosomes. This frequency is not significantly higher than estimated for a pathogenic variant in COL4A2 causing Porencephaly 2, allowing no conclusion about variant significance. To our knowledge, no occurrence of c.1513G>A in individuals affected with Porencephaly 2 and no experimental evidence demonstrating its impact on protein function have been reported. ClinVar contains an entry for this variant (Variation ID: 1666598). Based on the evidence outlined above, the variant was classified as uncertain significance.

PreventionGenetics, part of Exact Sciences
Classification: Uncertain significance for COL4A2-related condition. Last evaluated: 2022-09-21. Review status: criteria provided, single submitter. Criteria: ACMG Guidelines, 2015. Collection method: clinical testing. Allele origin: germline.
Comment: The COL4A2 c.1513G>A variant is predicted to result in the amino acid substitution p.Ala505Thr. To our knowledge, this variant has not been reported in the literature. This variant is reported in 0.040% of alleles in individuals of Latino descent in gnomAD. At this time, the clinical significance of this variant is uncertain due to the absence of conclusive functional and genetic evidence.

Ambry Genetics
Classification: Uncertain significance for Inborn genetic diseases. Last evaluated: 2021-08-10. Review status: criteria provided, single submitter. Criteria: Ambry Variant Classification Scheme 2023. Collection method: clinical testing. Allele origin: germline.

Blueprint Genetics
Classification: Likely benign. Last evaluated: 2019-01-10. Review status: criteria provided, single submitter. Criteria: ACMG Guidelines, 2015. Collection method: clinical testing. Allele origin: germline.

NM_001846.4(COL4A2):c.1513G>A (p.Ala505Thr)

Genes: COL4A2 (collagen type IV alpha 2 chain; plus strand), COL4A2-AS2 (COL4A2 antisense RNA 2; minus strand). Cytogenetic location: 13q34.
Variant type: single nucleotide variant.
Coding change: c.1513G>A on transcript NM_001846.4 (MANE Select); coding-DNA position 1513, G replaced by A.
Protein change: p.Ala505Thr; replaces alanine 505 with threonine.
Molecular consequence: missense variant.
Genome position (GRCh38, 1-based): chr13:110,458,851, G>A. VCF-style: chr13-110458851-G-A. GRCh37 (hg19) VCF-style: chr13-111111198-G-A.
Other names: c.1513G>A (NM_001846.2, NM_001846.3); short protein forms A505T.
Identifiers: ClinVar variation 1666598 (VCV001666598.14), dbSNP rs753867828, ClinGen allele CA7049613.